The following is an entry in ClinVar:

NM_006939.4(SOS2):c.2786-6T>C

Gene: SOS2 (SOS Ras/Rho guanine nucleotide exchange factor 2; minus strand). Cytogenetic location: 14q21.3.
Variant type: single nucleotide variant.
Coding change: c.2786-6T>C on transcript NM_006939.4 (MANE Select); 6 bases into the intron before coding-DNA position 2786, T replaced by C.
Molecular consequence: intron variant.
Genome position (GRCh38, 1-based): chr14:50,138,790, A>G on the plus strand (T>C on the coding strand, the complement: SOS2 is on the minus strand). VCF-style: chr14-50138790-A-G. GRCh37 (hg19) VCF-style: chr14-50605508-A-G.
Identifiers: ClinVar variation 759316 (VCV000759316.6), dbSNP rs552609367, ClinGen allele CA915948944.

ClinVar aggregate classification (germline): Conflicting classifications of pathogenicity. Review status: criteria provided, conflicting classifications (1 of 4 stars). 3 submissions from 3 submitters: Uncertain significance (1); Likely benign (2). Last evaluated 2026-04-01.

Submissions (3):

CeGaT Center for Human Genetics Tuebingen
Classification: Uncertain significance. Last evaluated: 2026-04-01. Review status: criteria provided, single submitter. Criteria: CeGaT Center For Human Genetics Tuebingen Variant Classification Criteria Version 2. Collection method: clinical testing. Allele origin: germline. Affected: yes. Observed: 1 variant allele.
Comment: SOS2: PM2, BP4

Blueprint Genetics
Classification: Likely benign. Last evaluated: 2024-02-14. Review status: criteria provided, single submitter. Criteria: ACMG Guidelines, 2015. Collection method: clinical testing. Allele origin: germline.

Labcorp Genetics (formerly Invitae), Labcorp
Classification: Likely benign. Last evaluated: 2018-10-09. Review status: criteria provided, single submitter. Criteria: Invitae Variant Classification Sherloc (09022015). Collection method: clinical testing. Allele origin: germline.